The following is an entry in ClinVar:

ClinVar aggregate classification (germline): Pathogenic/Likely pathogenic. Review status: criteria provided, multiple submitters, no conflicts (2 of 4 stars). 2 submissions from 2 submitters: Pathogenic (1); Likely pathogenic (1). Last evaluated 2024-07-25.

Conditions:
CACNA1A-related disorder. Also called: CACNA1A-related condition.

Submissions (2):

GeneDx
Classification: Pathogenic. Last evaluated: 2024-07-25. Review status: criteria provided, single submitter. Criteria: GeneDx Variant Classification Process June 2021. Collection method: clinical testing. Allele origin: germline. Affected: yes.
Comment: Canonical splice site variant predicted to result in a null allele in a gene for which loss of function is a known mechanism of disease; Not observed at significant frequency in large population cohorts (gnomAD); This variant is associated with the following publications: (PMID: 15622542, 14681882)

PreventionGenetics, part of Exact Sciences
Classification: Likely pathogenic for CACNA1A-related condition. Last evaluated: 2023-03-29. Review status: criteria provided, single submitter. Criteria: ACMG Guidelines, 2015. Collection method: clinical testing. Allele origin: germline.
Comment: The CACNA1A c.978+1G>A variant is predicted to disrupt the GT donor site and interfere with normal splicing. This variant was reported in multiple members of a multi-generational family with episodic ataxia 2 (referred to as 1253+1G>A, Subramony et al. 2003. PubMed ID: 14681882). This variant has not been reported in a large population database, indicating this variant is rare. Variants that disrupt the consensus splice donor site in CACNA1A are expected to be pathogenic. This variant is interpreted as likely pathogenic.

NM_001127222.2(CACNA1A):c.978+1G>A

Gene: CACNA1A (calcium voltage-gated channel subunit alpha1 A; minus strand). Cytogenetic location: 19p13.13.
Variant type: single nucleotide variant.
Coding change: c.978+1G>A on transcript NM_001127222.2 (MANE Select); the canonical splice donor site of the intron after coding-DNA position 978, G replaced by A.
Molecular consequence: splice donor variant.
Genome position (GRCh38, 1-based): chr19:13,359,605, C>T on the plus strand (G>A on the coding strand, the complement: CACNA1A is on the minus strand). VCF-style: chr19-13359605-C-T. GRCh37 (hg19) VCF-style: chr19-13470419-C-T.
Other names: c.978+1G>A (NM_001127221.2, NM_001174080.2, NM_000068.4 and 1 more transcripts).
Identifiers: ClinVar variation 2633882 (VCV002633882.2), dbSNP rs2145245078, ClinGen allele CA404346907.